The following is an entry in ClinVar:

NM_130811.4(SNAP25):c.521A>C (p.Gln174Pro)

Gene: SNAP25 (synaptosome associated protein 25; plus strand). Cytogenetic location: 20p12.2.
Variant type: single nucleotide variant.
Coding change: c.521A>C on transcript NM_130811.4 (MANE Select); coding-DNA position 521, A replaced by C.
Protein change: p.Gln174Pro; replaces glutamine 174 with proline.
Molecular consequence: missense variant.
Genome position (GRCh38, 1-based): chr20:10,299,381, A>C. VCF-style: chr20-10299381-A-C. GRCh37 (hg19) VCF-style: chr20-10280029-A-C.
Other names: c.521A>C, p.Gln174Pro (NM_001322902.2, NM_001322903.2, NM_001322904.2 and 7 more transcripts); short protein forms Q174P.
Identifiers: ClinVar variation 1285524 (VCV001285524.2), dbSNP rs2123159524, ClinGen allele CA408266706.

ClinVar aggregate classification (germline): Likely pathogenic (1 of 4 stars; one submission).

Conditions:
Developmental and epileptic encephalopathy. Identifiers: MedGen C5779964, MONDO:0100620.

Submission:

Institute of Human Genetics, University of Leipzig Medical Center
Classification: Likely pathogenic for Early-infantile DEE. Last evaluated: 2020-07-15. Review status: criteria provided, single submitter. Criteria: ACMG Guidelines, 2015. Collection method: clinical testing. Allele origin: de novo. Affected: yes.
Comment: This variant was identified as de novo (maternity and paternity confirmed).

Literature cited by the submitters: PubMed 33299146.